The following is an entry in ClinVar:

NM_201384.3(PLEC):c.436-153G>A

Gene: PLEC (plectin; minus strand). Cytogenetic location: 8q24.3.
Variant type: single nucleotide variant.
Coding change: c.436-153G>A on transcript NM_201384.3 (MANE Select); 153 bases into the intron before coding-DNA position 436, G replaced by A.
Molecular consequence: intron variant.
Genome position (GRCh38, 1-based): chr8:143,936,167, C>T on the plus strand (G>A on the coding strand, the complement: PLEC is on the minus strand). VCF-style: chr8-143936167-C-T. GRCh37 (hg19) VCF-style: chr8-145010335-C-T.
Other names: c.517-153G>A (NM_000445.5); c.394-153G>A (NM_201378.4); c.370-153G>A (NM_201379.3); c.847-153G>A (NM_201380.4); c.340-153G>A (NM_201381.3); c.436-153G>A (NM_201382.4); c.448-153G>A (NM_201383.3).
Identifiers: ClinVar variation 673018 (VCV000673018.1), dbSNP rs58958846, ClinGen allele CA187624279.
Genomic context (GRCh38, chr8:143,936,167, plus strand): 5'-GCACCCAGGGGGAGTGCATGGGGCCACCAAACCAGCCAGGGCAGCACCGGGCTCCAGGGC[C>T]CTTCCCTGTTGGGAAGCTGCTGGGACTGGCCATGCCTCGGGGCCACAAGTCCAGCCACTC-3'

ClinVar aggregate classification (germline): Benign (1 of 4 stars; one submission).

Allele frequency attached by ClinVar (database versions not stated): gnomAD 0.04021 and 0.04308; 1000 Genomes Project 0.04333; TOPMed 0.04532; 1000 Genomes Project 30x 0.04685.
gnomAD v4.1: 6,064 of 152,230 alleles (4%); highest among the groups gnomAD compares: African/African-American, 14%; 412 homozygotes.

Submission:

GeneDx
Classification: Benign. Last evaluated: 2018-06-16. Review status: criteria provided, single submitter. Criteria: GeneDx Variant Classification (06012015). Collection method: clinical testing. Allele origin: germline. Affected: yes.
Comment: This variant is considered likely benign or benign based on one or more of the following criteria: it is a conservative change, it occurs at a poorly conserved position in the protein, it is predicted to be benign by multiple in silico algorithms, and/or has population frequency not consistent with disease.